The following is an entry in ClinVar:

NM_001042492.3(NF1):c.4978T>C (p.Ser1660Pro)

Gene: NF1 (neurofibromin 1; plus strand). Cytogenetic location: 17q11.2.
Variant type: single nucleotide variant.
Coding change: c.4978T>C on transcript NM_001042492.3 (MANE Select); coding-DNA position 4978, T replaced by C.
Protein change: p.Ser1660Pro; replaces serine 1660 with proline.
Molecular consequence: missense variant.
Genome position (GRCh38, 1-based): chr17:31,325,962, T>C. VCF-style: chr17-31325962-T-C. GRCh37 (hg19) VCF-style: chr17-29652980-T-C.
Other names: c.4915T>C, p.Ser1639Pro (NM_000267.4); short protein forms S1660P, S1639P.
Identifiers: ClinVar variation 2126810 (VCV002126810.5), dbSNP rs2151537970, ClinGen allele CA399007236.

ClinVar aggregate classification (germline): Uncertain significance. Review status: criteria provided, multiple submitters, no conflicts (2 of 4 stars). 2 submissions from 2 submitters: Uncertain significance (2). Last evaluated 2026-08-15.

Conditions:
Hereditary cancer-predisposing syndrome. Also called: Tumor predisposition; Hereditary Cancer Syndrome; Hereditary neoplastic syndrome; Neoplastic Syndromes, Hereditary. Identifiers: Orphanet 140162, MedGen C0027672, MeSH D009386, MONDO:0015356.
Cardiovascular phenotype. Identifiers: MedGen CN230736.
Neurofibromatosis, type 1 (NF1). Also called: NEUROFIBROMATOSIS, TYPE I, SOMATIC; Peripheral type neurofibromatosis; VON RECKLINGHAUSEN DISEASE; Neurofibromatosis, type I. Identifiers: Orphanet 636, MedGen C0027831, MONDO:0018975, OMIM 162200. Disease mechanism: loss of function.

Allele frequency attached by ClinVar (database versions not stated): gnomAD exomes below 0.00001.
gnomAD v4.1: 1 of 1,614,204 alleles (0.000062%); highest among the groups gnomAD compares: Non-Finnish European, 0.000085%; no homozygotes.

Submissions (2):

Ambry Genetics
Classification: Uncertain significance for Cardiovascular phenotype; Hereditary cancer-predisposing syndrome. Last evaluated: 2026-08-15. Review status: criteria provided, single submitter. Criteria: Ambry Variant Classification Scheme 2023. Collection method: clinical testing. Allele origin: germline.
Comment: The p.S1639P variant (also known as c.4915T>C), located in coding exon 36 of the NF1 gene, results from a T to C substitution at nucleotide position 4915. The serine at codon 1639 is replaced by proline, an amino acid with similar properties. This amino acid position is conserved. In addition, this alteration is predicted to be deleterious by in silico analysis. Based on the available evidence, the clinical significance of this variant remains unclear.

Labcorp Genetics (formerly Invitae), Labcorp
Classification: Uncertain significance for Neurofibromatosis, type 1. Last evaluated: 2022-04-16. Review status: criteria provided, single submitter. Criteria: Invitae Variant Classification Sherloc (09022015). Collection method: clinical testing. Allele origin: germline.
Comment: In summary, the available evidence is currently insufficient to determine the role of this variant in disease. Therefore, it has been classified as a Variant of Uncertain Significance. Algorithms developed to predict the effect of missense changes on protein structure and function are either unavailable or do not agree on the potential impact of this missense change (SIFT: "Deleterious"; PolyPhen-2: "Probably Damaging"; Align-GVGD: "Class C0"). This variant has not been reported in the literature in individuals affected with NF1-related conditions. This variant is not present in population databases (gnomAD no frequency). This sequence change replaces serine, which is neutral and polar, with proline, which is neutral and non-polar, at codon 1639 of the NF1 protein (p.Ser1639Pro).